The following is an entry in ClinVar:

NM_001366385.1(CARD14):c.388G>T (p.Gly130Trp)

Gene: CARD14 (caspase recruitment domain family member 14; plus strand). Cytogenetic location: 17q25.3.
Variant type: single nucleotide variant.
Coding change: c.388G>T on transcript NM_001366385.1 (MANE Select); coding-DNA position 388, G replaced by T.
Protein change: p.Gly130Trp; replaces glycine 130 with tryptophan.
Molecular consequence: missense variant. On other transcripts: non-coding transcript variant (1).
Genome position (GRCh38, 1-based): chr17:80,183,951, G>T. VCF-style: chr17-80183951-G-T. GRCh37 (hg19) VCF-style: chr17-78157750-G-T.
Other names: c.388G>T, p.Gly130Trp (NM_001257970.1, NM_024110.4); short protein forms G130W.
Identifiers: ClinVar variation 3754771 (VCV003754771.2).
Genomic context (GRCh38, chr17:80,183,951, plus strand): 5'-TCACCTGCCCATCTGCCCACAGGTCTCATGGAGACATCCAAGCTGACCGAGTGCCTGGCT[G>T]GGGCCATCGGCAGCCTGCAGGAGGAGCTGAACCAGGAAAAGGGGCAGAAGGAGGTGCTGC-3'
Protein context (NP_001353314.1, residues 120-140): ETSKLTECLA[Gly130Trp]AIGSLQEELN

ClinVar aggregate classification (germline): Uncertain significance (1 of 4 stars; one submission).

Conditions:
Pityriasis rubra pilaris (PRP). Also called: Pityriasis rubra pilaris--familial type. Identifiers: Orphanet 2897, MedGen C0032027, MONDO:0100017, OMIM 173200, MONDO:0008251.
Psoriasis 2. Identifiers: MedGen C1864497, MONDO:0011269, OMIM 602723.

gnomAD v4.1: 9 of 1,542,348 alleles (0.00058%); highest among the groups gnomAD compares: Non-Finnish European, 0.00079%; no homozygotes.

Submission:

Labcorp Genetics (formerly Invitae), Labcorp
Classification: Uncertain significance for Pityriasis rubra pilaris; Psoriasis 2. Last evaluated: 2024-04-03. Review status: criteria provided, single submitter. Criteria: Invitae Variant Classification Sherloc (09022015). Collection method: clinical testing. Allele origin: germline.
Comment: This sequence change replaces glycine, which is neutral and non-polar, with tryptophan, which is neutral and slightly polar, at codon 130 of the CARD14 protein (p.Gly130Trp). This variant is not present in population databases (gnomAD no frequency). This variant has not been reported in the literature in individuals affected with CARD14-related conditions. Advanced modeling of protein sequence and biophysical properties (such as structural, functional, and spatial information, amino acid conservation, physicochemical variation, residue mobility, and thermodynamic stability) performed at Invitae indicates that this missense variant is expected to disrupt CARD14 protein function with a positive predictive value of 80%. In summary, the available evidence is currently insufficient to determine the role of this variant in disease. Therefore, it has been classified as a Variant of Uncertain Significance.